The following is an entry in ClinVar:

NM_007294.4(BRCA1):c.4583T>C (p.Leu1528Pro)

Gene: BRCA1 (BRCA1 DNA repair associated; minus strand). Cytogenetic location: 17q21.31.
Variant type: single nucleotide variant.
Coding change: c.4583T>C on transcript NM_007294.4 (MANE Select); coding-DNA position 4583, T replaced by C.
Protein change: p.Leu1528Pro; replaces leucine 1528 with proline.
Molecular consequence: missense variant. On other transcripts: non-coding transcript variant (1).
Genome position (GRCh38, 1-based): chr17:43,074,423, A>G on the plus strand (T>C on the coding strand, the complement: BRCA1 is on the minus strand). VCF-style: chr17-43074423-A-G. GRCh37 (hg19) VCF-style: chr17-41226440-A-G.
Other names: c.4370T>C, p.Leu1457Pro (NM_001407896.1, NM_001407898.1, NM_001407900.1 and 12 more transcripts); c.4460T>C, p.Leu1487Pro (NM_001407668.1, NM_001407669.1, NM_001407919.1 and 6 more transcripts); c.4457T>C, p.Leu1486Pro (NM_001407670.1, NM_001407671.1, NM_001407672.1 and 11 more transcripts); c.4454T>C, p.Leu1485Pro (NM_001407681.1, NM_001407682.1, NM_001407683.1 and 6 more transcripts); c.4583T>C, p.Leu1528Pro (NM_001407684.1, NM_001407854.1, NM_001407593.1 and 8 more transcripts); c.4451T>C, p.Leu1484Pro (NM_001407690.1, NM_001407691.1); c.4442T>C, p.Leu1481Pro (NM_001407692.1, NM_001407694.1, NM_001407695.1 and 13 more transcripts); c.4439T>C, p.Leu1480Pro (NM_001407732.1, NM_001407733.1, NM_001407734.1 and 21 more transcripts); and 68 more; short protein forms L1528P, L1549P, L1481P, L424P, L1231P, L1416P, L1440P, L1480P.
Identifiers: ClinVar variation 481486 (VCV000481486.7), dbSNP rs1555581911, ClinGen allele CA10592345.

ClinVar aggregate classification (germline): Uncertain significance. Review status: criteria provided, multiple submitters, no conflicts (2 of 4 stars). 2 submissions from 2 submitters: Uncertain significance (2). Last evaluated 2024-05-14.

Conditions:
Hereditary cancer-predisposing syndrome. Also called: Hereditary Cancer Syndrome; Neoplastic Syndromes, Hereditary; Tumor predisposition; Hereditary neoplastic syndrome. Identifiers: Orphanet 140162, MedGen C0027672, MeSH D009386, MONDO:0015356.
BRCA1-related cancer predisposition. Identifiers: MedGen CN377757, MONDO:0700268.

Allele frequency attached by ClinVar (database versions not stated): gnomAD exomes below 0.00001.
gnomAD v4.1: 1 of 1,614,122 alleles (0.000062%); highest among the groups gnomAD compares: Non-Finnish European, 0.000085%; no homozygotes.

Submissions (2):

All of Us Research Program, National Institutes of Health
Classification: Uncertain significance for BRCA1-related cancer predisposition. Last evaluated: 2024-05-14. Review status: criteria provided, single submitter. Criteria: ACMG Guidelines, 2015. Collection method: clinical testing. Allele origin: germline. Inheritance: Autosomal dominant inheritance. Observed: 1 variant allele, 1 heterozygote.
Comment: This missense variant replaces leucine with proline at codon 1528 of the BRCA1 protein. Computational prediction is inconclusive regarding the impact of this variant on protein structure and function. To our knowledge, functional studies have not been reported for this variant. This variant has been detected in a breast cancer case-control meta-analysis in 0/60466 cases and 1/53461 unaffected individuals (PMID: 33471991; Leiden Open Variation Database DB-ID BRCA1_006218). This variant has not been identified in the general population by the Genome Aggregation Database (gnomAD). The available evidence is insufficient to determine the role of this variant in disease conclusively. Therefore, this variant is classified as a Variant of Uncertain Significance.

This study involves interpretation of variants in research participants for the purpose of population health screening. Participant phenotype was not available at the time of variant classification. Additional details can be found in publication PMID: 35346344, PMCID: PMC8962531

Ambry Genetics
Classification: Uncertain significance for Hereditary cancer-predisposing syndrome. Last evaluated: 2017-06-19. Review status: criteria provided, single submitter. Criteria: Ambry Variant Classification Scheme 2023. Collection method: clinical testing. Allele origin: germline.
Comment: The p.L1528P variant (also known as c.4583T>C), located in coding exon 13 of the BRCA1 gene, results from a T to C substitution at nucleotide position 4583. The leucine at codon 1528 is replaced by proline, an amino acid with similar properties. This amino acid position is not well conserved in available vertebrate species. In addition, the in silico prediction for this alteration is inconclusive. Since supporting evidence is limited at this time, the clinical significance of this alteration remains unclear.

Literature cited by the submitters: PubMed 33471991 (cited by All of Us Research Program, National Institutes of Health).